The following is an entry in ClinVar:

ClinVar aggregate classification (germline): Uncertain significance. Review status: criteria provided, multiple submitters, no conflicts (2 of 4 stars). 2 submissions from 2 submitters: Uncertain significance (2). Last evaluated 2025-12-15.

gnomAD v4.1: 48 of 1,614,096 alleles (0.003%); highest among the groups gnomAD compares: Non-Finnish European, 0.0036%; no homozygotes.

Submissions (2):

Ambry Genetics
Classification: Uncertain significance. Last evaluated: 2025-12-15. Review status: criteria provided, single submitter. Criteria: Ambry Variant Classification Scheme 2023. Collection method: clinical testing. Allele origin: germline.

Labcorp Genetics (formerly Invitae), Labcorp
Classification: Uncertain significance. Last evaluated: 2025-01-21. Review status: criteria provided, single submitter. Criteria: Invitae Variant Classification Sherloc (09022015). Collection method: clinical testing. Allele origin: germline.
Comment: This sequence change replaces valine, which is neutral and non-polar, with alanine, which is neutral and non-polar, at codon 391 of the KANK4 protein (p.Val391Ala). This variant is present in population databases (rs752771954, gnomAD 0.003%). This variant has not been reported in the literature in individuals affected with KANK4-related conditions. An algorithm developed to predict the effect of missense changes on protein structure and function (PolyPhen-2) suggests that this variant is likely to be tolerated. In summary, the available evidence is currently insufficient to determine the role of this variant in disease. Therefore, it has been classified as a Variant of Uncertain Significance.

NM_181712.5(KANK4):c.1172T>C (p.Val391Ala)

Gene: KANK4 (KN motif and ankyrin repeat domains 4; minus strand). Cytogenetic location: 1p31.3.
Variant type: single nucleotide variant.
Coding change: c.1172T>C on transcript NM_181712.5 (MANE Select); coding-DNA position 1172, T replaced by C.
Protein change: p.Val391Ala; replaces valine 391 with alanine.
Molecular consequence: missense variant. On other transcripts: intron variant (1).
Genome position (GRCh38, 1-based): chr1:62,273,932, A>G on the plus strand (T>C on the coding strand, the complement: KANK4 is on the minus strand). VCF-style: chr1-62273932-A-G. GRCh37 (hg19) VCF-style: chr1-62739604-A-G.
Other names: c.17-2343T>C (NM_001320269.2); c.1172T>C (NM_181712.4); short protein forms V391A.
Identifiers: ClinVar variation 3608897 (VCV003608897.3).